The following is an entry in ClinVar:

NM_022552.5(DNMT3A):c.367G>A (p.Glu123Lys)

Gene: DNMT3A (DNA methyltransferase 3 alpha; minus strand). Cytogenetic location: 2p23.3.
Variant type: single nucleotide variant.
Coding change: c.367G>A on transcript NM_022552.5 (MANE Select); coding-DNA position 367, G replaced by A.
Protein change: p.Glu123Lys; replaces glutamic acid 123 with lysine.
Molecular consequence: missense variant. On other transcripts: non-coding transcript variant (1).
Genome position (GRCh38, 1-based): chr2:25,282,522, C>T on the plus strand (G>A on the coding strand, the complement: DNMT3A is on the minus strand). VCF-style: chr2-25282522-C-T. GRCh37 (hg19) VCF-style: chr2-25505391-C-T.
Other names: c.367G>A, p.Glu123Lys (NM_175630.1, NM_001320892.2, NM_175629.2); short protein forms E123K.
Identifiers: ClinVar variation 4705714 (VCV004705714.1).
Genomic context (GRCh38, chr2:25,282,522, plus strand): 5'-GGCCCTCCTTGGGGGTGCAGCAGCCATTTTCCACTGCTCTTGAGGCTTCAGGCAGGGTCT[C>T]AGCTGCACCCTCTCCCTCTGCTGGGGCCCCGCCCTTCTGCCCCCCAGCAGGGCTCCCCTC-3'
Protein context (NP_072046.2, residues 113-133): GAPAEGEGAA[Glu123Lys]TLPEASRAVE

ClinVar aggregate classification (germline): Uncertain significance (1 of 4 stars; one submission).

Conditions:
Tatton-Brown-Rahman overgrowth syndrome. Also called: Tall stature-intellectual disability-facial dysmorphism syndrome; Tatton-Brown-Rahman syndrome. Identifiers: Orphanet 404443, MedGen C4014545, MONDO:0014382, OMIM 615879.

Submission:

Labcorp Genetics (formerly Invitae), Labcorp
Classification: Uncertain significance for Tatton-Brown-Rahman overgrowth syndrome. Last evaluated: 2025-05-24. Review status: criteria provided, single submitter. Criteria: Invitae Variant Classification Sherloc (09022015). Collection method: clinical testing. Allele origin: germline.
Comment: This sequence change replaces glutamic acid, which is acidic and polar, with lysine, which is basic and polar, at codon 123 of the DNMT3A protein (p.Glu123Lys). This variant is not present in population databases (gnomAD no frequency). This variant has not been reported in the literature in individuals affected with DNMT3A-related conditions. Invitae Evidence Modeling of protein sequence and biophysical properties (such as structural, functional, and spatial information, amino acid conservation, physicochemical variation, residue mobility, and thermodynamic stability) indicates that this missense variant is not expected to disrupt DNMT3A protein function with a negative predictive value of 95%. In summary, the available evidence is currently insufficient to determine the role of this variant in disease. Therefore, it has been classified as a Variant of Uncertain Significance.